The following is an entry in ClinVar:

NC_000017.11:g.36260240C>T

Genes: TBC1D3B (TBC1 domain family member 3B; minus strand), TBC1D3I (TBC1 domain family member 3I; minus strand). Cytogenetic location: 17q12.
Variant type: single nucleotide variant.
Molecular consequence: missense variant (on NM_001291463.2).
Genome position: GRCh38 VCF-style: chr17-36260240-C-T. GRCh37 (hg19) VCF-style: chr17-34587708-C-T.
Other names: c.376G>A, p.Gly126Arg (NM_001291463.2); short protein forms G126R.
Identifiers: ClinVar variation 3026214 (VCV003026214.19), dbSNP rs2142289612, ClinGen allele CA399253607.

ClinVar aggregate classification (germline): Likely benign (1 of 4 stars; one submission).

Submission:

CeGaT Center for Human Genetics Tuebingen
Classification: Likely benign. Last evaluated: 2024-07-01. Review status: criteria provided, single submitter. Criteria: CeGaT Center For Human Genetics Tuebingen Variant Classification Criteria Version 2. Collection method: clinical testing. Allele origin: germline. Affected: yes. Observed: 1 variant allele.
Comment: TBC1D3C: BS2; TBC1D3B: BS2